The following is an entry in ClinVar:

NM_001372076.1(PAX9):c.*901C>T

Gene: PAX9 (paired box 9; plus strand). Cytogenetic location: 14q13.3.
Variant type: single nucleotide variant.
Coding change: c.*901C>T on transcript NM_001372076.1 (MANE Select); 901 bases downstream of the stop codon, C replaced by T.
Molecular consequence: 3 prime UTR variant.
Genome position (GRCh38, 1-based): chr14:36,677,353, C>T. VCF-style: chr14-36677353-C-T. GRCh37 (hg19) VCF-style: chr14-37146558-C-T.
Other names: c.*901C>T (NM_006194.4).
Identifiers: ClinVar variation 313184 (VCV000313184.5), dbSNP rs17104971, ClinGen allele CA10644154.
Genomic context (GRCh38, chr14:36,677,353, plus strand): 5'-TGTATGCAGTGAAGGCTTCAACATCTCATGAAGGACACTTTATTTCTACAGCAGAGGACA[C>T]GAAAAACAGATAAAACAAGCCAGTCTCCCATTTTGTACCTAATCAAACAACACACATGCT-3'

ClinVar aggregate classification (germline): Benign (1 of 4 stars; one submission).

Conditions:
Tooth agenesis, selective, 3 (STHAG3). Also called: HYPODONTIA/OLIGODONTIA 3. Identifiers: Orphanet 99798, MedGen C1970291, MONDO:0011477, OMIM 604625. Disease mechanism: loss of function.

Allele frequency attached by ClinVar (database versions not stated): gnomAD 0.02904 and 0.03093; TOPMed 0.03219; 1000 Genomes Project 0.03375; 1000 Genomes Project 30x 0.03545.

Submission:

Illumina Laboratory Services, Illumina
Classification: Benign for Tooth agenesis, selective, 3. Last evaluated: 2018-01-13. Review status: criteria provided, single submitter. Criteria: ICSL Variant Classification Criteria 13 December 2019. Collection method: clinical testing. Allele origin: germline.
Comment: This variant was observed in the ICSL laboratory as part of a predisposition screen in an ostensibly healthy population. It had not been previously curated by ICSL or reported in the Human Gene Mutation Database (HGMD: prior to June 1st, 2018), and was therefore a candidate for classification through an automated scoring system. Utilizing variant allele frequency, disease prevalence and penetrance estimates, and inheritance mode, an automated score was calculated to assess if this variant is too frequent to cause the disease. Based on the score and internal cut-off values, a variant classified as benign is not then subjected to further curation. The score for this variant resulted in a classification of benign for this disease.